The following is an entry in ClinVar:

ClinVar aggregate classification (germline): Uncertain significance (1 of 4 stars; one submission).

Allele frequency attached by ClinVar (database versions not stated): ExAC 0.00001.
gnomAD v4.1: 1 of 1,613,812 alleles (0.000062%); no homozygotes.

Submission:

Labcorp Genetics (formerly Invitae), Labcorp
Classification: Uncertain significance. Last evaluated: 2022-05-31. Review status: criteria provided, single submitter. Criteria: Invitae Variant Classification Sherloc (09022015). Collection method: clinical testing. Allele origin: germline.
Comment: This sequence change replaces leucine, which is neutral and non-polar, with phenylalanine, which is neutral and non-polar, at codon 245 of the CYP27B1 protein (p.Leu245Phe). This variant is present in population databases (rs758802757, gnomAD 0.006%). This variant has not been reported in the literature in individuals affected with CYP27B1-related conditions. Advanced modeling of protein sequence and biophysical properties (such as structural, functional, and spatial information, amino acid conservation, physicochemical variation, residue mobility, and thermodynamic stability) performed at Invitae indicates that this missense variant is not expected to disrupt CYP27B1 protein function. In summary, the available evidence is currently insufficient to determine the role of this variant in disease. Therefore, it has been classified as a Variant of Uncertain Significance.

NM_000785.4(CYP27B1):c.733C>T (p.Leu245Phe)

Gene: CYP27B1 (cytochrome P450 family 27 subfamily B member 1; minus strand). Cytogenetic location: 12q14.1.
Variant type: single nucleotide variant.
Coding change: c.733C>T on transcript NM_000785.4 (MANE Select); coding-DNA position 733, C replaced by T.
Protein change: p.Leu245Phe; replaces leucine 245 with phenylalanine.
Molecular consequence: missense variant.
Genome position (GRCh38, 1-based): chr12:57,765,068, G>A on the plus strand (C>T on the coding strand, the complement: CYP27B1 is on the minus strand). VCF-style: chr12-57765068-G-A. GRCh37 (hg19) VCF-style: chr12-58158851-G-A.
Other names: short protein forms L245F.
Identifiers: ClinVar variation 2116143 (VCV002116143.1), dbSNP rs758802757, ClinGen allele CA6658344.